The following is an entry in ClinVar:

NM_003119.4(SPG7):c.987+19G>A

Gene: SPG7 (SPG7 matrix AAA peptidase subunit, paraplegin; plus strand). Cytogenetic location: 16q24.3.
Variant type: single nucleotide variant.
Coding change: c.987+19G>A on transcript NM_003119.4 (MANE Select); 19 bases into the intron after coding-DNA position 987, G replaced by A.
Molecular consequence: intron variant.
Genome position (GRCh38, 1-based): chr16:89,530,827, G>A. VCF-style: chr16-89530827-G-A. GRCh37 (hg19) VCF-style: chr16-89597235-G-A.
Other names: c.987+19G>A (NM_001363850.1, NM_199367.3).
Identifiers: ClinVar variation 139238 (VCV000139238.13), dbSNP rs62071462, ClinGen allele CA293663.

ClinVar aggregate classification (germline): Benign/Likely benign. Review status: criteria provided, multiple submitters, no conflicts (2 of 4 stars). 5 submissions from 5 submitters: Benign (3); Likely benign (2). Last evaluated 2026-01-20.

Conditions:
Hereditary spastic paraplegia 7 (SPG7). Also called: SPG7-related neurologic disorder; Spastic paraplegia 7; Hereditary spastic paraplegia Paraplegin type; Autosomal recessive spastic paraplegia type 7; SPASTIC PARAPLEGIA 7, AUTOSOMAL RECESSIVE, WITH OR WITHOUT CEREBELLAR ATAXIA. Identifiers: Orphanet 99013, MedGen C1846564, MONDO:0011803, OMIM 607259.

Allele frequency attached by ClinVar (database versions not stated): 1000 Genomes Project 30x 0.00094; 1000 Genomes Project 0.00100; ExAC 0.00164; gnomAD exomes 0.00185 and 0.00393; TOPMed 0.00251; gnomAD 0.00256 and 0.00263; ESP Exome Variant Server 0.00277.
gnomAD v4.1: 6,151 of 1,613,648 alleles (0.38%); highest among the groups gnomAD compares: Non-Finnish European, 0.48%; 13 homozygotes.

Submissions (5):

Labcorp Genetics (formerly Invitae), Labcorp
Classification: Benign for Hereditary spastic paraplegia 7. Last evaluated: 2026-01-20. Review status: criteria provided, single submitter. Criteria: Invitae Variant Classification Sherloc (09022015). Collection method: clinical testing. Allele origin: germline.

Blueprint Genetics
Classification: Likely benign. Last evaluated: 2024-11-27. Review status: criteria provided, single submitter. Criteria: ACMG Guidelines, 2015. Collection method: clinical testing. Allele origin: germline.

Fulgent Genetics
Classification: Likely benign for Hereditary spastic paraplegia 7. Last evaluated: 2022-04-11. Review status: criteria provided, single submitter. Criteria: ACMG Guidelines, 2015. Collection method: clinical testing. Allele origin: unknown.

GeneDx
Classification: Benign. Last evaluated: 2014-01-11. Review status: criteria provided, single submitter. Criteria: GeneDx Variant Classification (06012015). Collection method: clinical testing. Allele origin: germline. Affected: yes.
Comment: This variant is considered likely benign or benign based on one or more of the following criteria: it is a conservative change, it occurs at a poorly conserved position in the protein, it is predicted to be benign by multiple in silico algorithms, and/or has population frequency not consistent with disease.

Breakthrough Genomics
Classification: Benign. Review status: criteria provided, single submitter. Criteria: ACMG Guidelines, 2015. Collection method: not provided. Allele origin: germline. Inheritance: Autosomal recessive inheritance. Affected: yes.